The following is an entry in ClinVar:

ClinVar aggregate classification (germline): Conflicting classifications of pathogenicity. Review status: criteria provided, conflicting classifications (1 of 4 stars). 3 submissions from 3 submitters: Uncertain significance (1); Likely benign (2). Last evaluated 2025-08-21.

Conditions:
Neuroblastoma, susceptibility to, 3. Also called: ALK-Related Neuroblastic Tumor Susceptibility. Identifiers: Orphanet 635, MedGen C2751681, MONDO:0013083, OMIM 613014.
Hereditary cancer-predisposing syndrome. Also called: Hereditary neoplastic syndrome; Neoplastic Syndromes, Hereditary; Tumor predisposition; Hereditary Cancer Syndrome. Identifiers: Orphanet 140162, MedGen C0027672, MeSH D009386, MONDO:0015356.

Allele frequency attached by ClinVar (database versions not stated): gnomAD exomes below 0.00001 and 0.00003; ExAC 0.00001; gnomAD 0.00001; 1000 Genomes Project 0.00020; 1000 Genomes Project 30x 0.00031.
gnomAD v4.1: 6 of 1,612,852 alleles (0.00037%); highest among the groups gnomAD compares: East Asian, 0.011%; no homozygotes.

Submissions (3):

Labcorp Genetics (formerly Invitae), Labcorp
Classification: Likely benign for Neuroblastoma, susceptibility to, 3. Last evaluated: 2025-08-21. Review status: criteria provided, single submitter. Criteria: Invitae Variant Classification Sherloc (09022015). Collection method: clinical testing. Allele origin: germline.

GeneDx
Classification: Uncertain significance. Last evaluated: 2024-09-23. Review status: criteria provided, single submitter. Criteria: GeneDx Variant Classification Process June 2021. Collection method: clinical testing. Allele origin: germline. Affected: yes.
Comment: In silico analysis indicates that this variant does not alter splicing; Has not been previously published as pathogenic or benign to our knowledge

Ambry Genetics
Classification: Likely benign for Hereditary cancer-predisposing syndrome. Last evaluated: 2022-03-18. Review status: criteria provided, single submitter. Criteria: Ambry Variant Classification Scheme 2023. Collection method: clinical testing. Allele origin: germline.

NM_004304.5(ALK):c.153G>A (p.Arg51=)

Gene: ALK (ALK receptor tyrosine kinase; minus strand). Cytogenetic location: 2p23.1.
Variant type: single nucleotide variant.
Coding change: c.153G>A on transcript NM_004304.5 (MANE Select); coding-DNA position 153, G replaced by A.
Protein change: p.Arg51=; no amino-acid change (arginine 51 retained).
Molecular consequence: synonymous variant.
Genome position (GRCh38, 1-based): chr2:29,920,507, C>T on the plus strand (G>A on the coding strand, the complement: ALK is on the minus strand). VCF-style: chr2-29920507-C-T. GRCh37 (hg19) VCF-style: chr2-30143373-C-T.
Identifiers: ClinVar variation 470756 (VCV000470756.15), dbSNP rs200204526, ClinGen allele CA1595034.